The following is an entry in ClinVar:

NM_006031.6(PCNT):c.8489G>A (p.Cys2830Tyr)

Gene: PCNT (pericentrin; plus strand). Cytogenetic location: 21q22.3.
Variant type: single nucleotide variant.
Coding change: c.8489G>A on transcript NM_006031.6 (MANE Select); coding-DNA position 8489, G replaced by A.
Protein change: p.Cys2830Tyr; replaces cysteine 2830 with tyrosine.
Molecular consequence: missense variant.
Genome position (GRCh38, 1-based): chr21:46,431,953, G>A. VCF-style: chr21-46431953-G-A. GRCh37 (hg19) VCF-style: chr21-47851867-G-A.
Other names: c.8135G>A, p.Cys2712Tyr (NM_001315529.2); short protein forms C2712Y, C2830Y.
Identifiers: ClinVar variation 3351429 (VCV003351429.1).

ClinVar aggregate classification (germline): Uncertain significance (0 of 4 stars; one submission).

Conditions:
PCNT-related disorder. Also called: PCNT-related condition.

gnomAD v4.1: 4 of 1,614,082 alleles (0.00025%); no homozygotes.

Submission:

PreventionGenetics, part of Exact Sciences
Classification: Uncertain significance for PCNT-related condition. Last evaluated: 2024-09-03. Review status: no assertion criteria provided. Collection method: clinical testing. Allele origin: germline.
Comment: The PCNT c.8489G>A variant is predicted to result in the amino acid substitution p.Cys2830Tyr. To our knowledge, this variant has not been reported in the literature or in a large population database, indicating this variant is rare. At this time, the clinical significance of this variant is uncertain due to the absence of conclusive functional and genetic evidence.